The following is an entry in ClinVar:

ClinVar aggregate classification (germline): Likely benign (1 of 4 stars; one submission).

Allele frequency attached by ClinVar (database versions not stated): gnomAD exomes below 0.00001; gnomAD 0.00001.
gnomAD v4.1: 6 of 1,613,914 alleles (0.00037%); highest among the groups gnomAD compares: East Asian, 0.0022%; no homozygotes.

Submission:

CeGaT Center for Human Genetics Tuebingen
Classification: Likely benign. Last evaluated: 2024-02-01. Review status: criteria provided, single submitter. Criteria: CeGaT Center For Human Genetics Tuebingen Variant Classification Criteria Version 2. Collection method: clinical testing. Allele origin: germline. Affected: yes. Observed: 1 variant allele.
Comment: SERPIND1: BP5

NM_000185.4(SERPIND1):c.1441G>A (p.Glu481Lys)

Genes: PI4KA (phosphatidylinositol 4-kinase alpha; minus strand), SERPIND1 (serpin family D member 1; plus strand). Cytogenetic location: 22q11.21.
Variant type: single nucleotide variant.
Coding change: c.1441G>A on transcript NM_000185.4 (MANE Select); coding-DNA position 1441, G replaced by A.
Protein change: p.Glu481Lys; replaces glutamic acid 481 with lysine.
Molecular consequence: missense variant. On other transcripts: intron variant (3).
Genome position (GRCh38, 1-based): chr22:20,787,007, G>A. VCF-style: chr22-20787007-G-A. GRCh37 (hg19) VCF-style: chr22-21141295-G-A.
Other names: c.2262+6186C>T (NM_001362863.2); c.2328+6186C>T (NM_001362862.2, NM_058004.4); short protein forms E481K.
Identifiers: ClinVar variation 3027360 (VCV003027360.22), dbSNP rs1204877500, ClinGen allele CA410777739.